The following is an entry in ClinVar:

ClinVar aggregate classification (germline): Likely benign (1 of 4 stars; one submission).

Conditions:
Combined oxidative phosphorylation deficiency 55 (COXPD55). Identifiers: MedGen C5676915, MONDO:0859228, OMIM 619743.

gnomAD v4.1: 1 of 1,597,804 alleles (0.000063%); highest among the groups gnomAD compares: South Asian, 0.0011%; no homozygotes.

Submission:

Centre for Medical Genetics,  Mumbai
Classification: Likely benign for Combined oxidative phosphorylation deficiency 55. Last evaluated: 2026-01-07. Review status: criteria provided, single submitter. Criteria: ACMG Guidelines, 2015. Collection method: provider interpretation. Allele origin: germline. Inheritance: Autosomal recessive inheritance. Affected: no. Observed: 1 variant allele, 1 homozygote.
Comment: The variant satisfies PM2 criteria; Extremely low frequency in gnomAD population databases. However, the variant satisfies BS2 criteria.

Literature cited by the submitters: PubMed 33602924.

NM_005035.4(POLRMT):c.2701G>A (p.Val901Met)

Gene: POLRMT (RNA polymerase mitochondrial; minus strand). Cytogenetic location: 19p13.3.
Variant type: single nucleotide variant.
Coding change: c.2701G>A on transcript NM_005035.4 (MANE Select); coding-DNA position 2701, G replaced by A.
Protein change: p.Val901Met; replaces valine 901 with methionine.
Molecular consequence: missense variant. On other transcripts: non-coding transcript variant (1), intron variant (1).
Genome position (GRCh38, 1-based): chr19:620,427, C>T on the plus strand (G>A on the coding strand, the complement: POLRMT is on the minus strand). VCF-style: chr19-620427-C-T. GRCh37 (hg19) VCF-style: chr19-620427-C-T.
Other names: c.2701G>A, p.Val901Met (NM_001407816.1, NM_001407808.1, NM_001407812.1 and 3 more transcripts); c.2476G>A, p.Val826Met (NM_001407830.1, NM_001407832.1); c.2377G>A, p.Val793Met (NM_001407831.1, NM_001407833.1, NM_001407835.1 and 1 more transcripts); c.2368G>A, p.Val790Met (NM_001407834.1); c.2692G>A, p.Val898Met (NM_001407806.1, NM_001407809.1); c.2689G>A, p.Val897Met (NM_001407807.1, NM_001407810.1); c.2659G>A, p.Val887Met (NM_001407811.1, NM_001407813.1); c.2641-347G>A (NM_001407829.1); short protein forms V790M, V793M, V826M, V887M, V897M, V898M, V901M.
Identifiers: ClinVar variation 4819436 (VCV004819436.1).
Genomic context (GRCh38, chr19:620,427, plus strand): 5'-GATGGACGGGGAGGTGGGAGACATAGGCGGCAGGGTCGGAGGCGCGCACAGCGTTCGCCA[C>T]CTCCATACAGCAGGCCAGCGTCTGCCAGGGTTCCTCCGCGCCCATCCACCACTTTCGGCC-3'
Protein context (NP_005026.3, residues 891-911): PWQTLACCME[Val901Met]ANAVRASDPA